The following is an entry in ClinVar:

NM_002485.5(NBN):c.392C>T (p.Ala131Val)

Gene: NBN (nibrin; minus strand). Cytogenetic location: 8q21.3.
Variant type: single nucleotide variant.
Coding change: c.392C>T on transcript NM_002485.5 (MANE Select); coding-DNA position 392, C replaced by T.
Protein change: p.Ala131Val; replaces alanine 131 with valine.
Molecular consequence: missense variant.
Genome position (GRCh38, 1-based): chr8:89,980,822, G>A on the plus strand (C>T on the coding strand, the complement: NBN is on the minus strand). VCF-style: chr8-89980822-G-A. GRCh37 (hg19) VCF-style: chr8-90993050-G-A.
Other names: c.146C>T, p.Ala49Val (NM_001024688.3); short protein forms A131V, A49V.
Identifiers: ClinVar variation 862861 (VCV000862861.8), dbSNP rs1469136096, ClinGen allele CA371661940.

ClinVar aggregate classification (germline): Uncertain significance (1 of 4 stars; one submission).

Conditions:
Microcephaly, normal intelligence and immunodeficiency (NBS). Also called: IMMUNODEFICIENCY, MICROCEPHALY, AND CHROMOSOMAL INSTABILITY; SEEMANOVA SYNDROME II; Nijmegen breakage syndrome; Microcephaly with normal intelligence immunodeficiency and lymphoreticular malignancies; Nonsyndromal microcephaly autosomal recessive with normal intelligence; Seemanova syndrome 2. Identifiers: Orphanet 647, MedGen C0398791, MONDO:0009623, OMIM 251260.

Submission:

Labcorp Genetics (formerly Invitae), Labcorp
Classification: Uncertain significance for Microcephaly, normal intelligence and immunodeficiency. Last evaluated: 2023-07-17. Review status: criteria provided, single submitter. Criteria: Invitae Variant Classification Sherloc (09022015). Collection method: clinical testing. Allele origin: germline.
Comment: In summary, the available evidence is currently insufficient to determine the role of this variant in disease. Therefore, it has been classified as a Variant of Uncertain Significance. An algorithm developed to predict the effect of missense changes on protein structure and function (PolyPhen-2) suggests that this variant is likely to be tolerated. ClinVar contains an entry for this variant (Variation ID: 862861). This variant has not been reported in the literature in individuals affected with NBN-related conditions. This variant is not present in population databases (gnomAD no frequency). This sequence change replaces alanine, which is neutral and non-polar, with valine, which is neutral and non-polar, at codon 131 of the NBN protein (p.Ala131Val).